The following is an entry in ClinVar:

ClinVar aggregate classification (germline): Pathogenic/Likely pathogenic. Review status: criteria provided, multiple submitters, no conflicts (2 of 4 stars). 3 submissions from 3 submitters: Pathogenic (2); Likely pathogenic (1). Last evaluated 2025-08-18.

Conditions:
Hereditary hemorrhagic telangiectasia (HHT). Also called: ORW DISEASE; Osler Weber Rendu syndrome; OSLER-RENDU-WEBER DISEASE; Osler hemorrhagic telangiectasia syndrome. Identifiers: Orphanet 774, MedGen C0039445, MONDO:0019180. Disease mechanism: loss of function.
Telangiectasia, hereditary hemorrhagic, type 1 (HHT1). Also called: Osler Weber Rendu syndrome type 1; ENG-Related Hereditary Hemorrhagic Telangiectasia. Identifiers: Orphanet 774, MedGen C4551861, MONDO:0008535, OMIM 187300. Disease mechanism: loss of function.

Submissions (12):

GeneDx
Classification: Likely pathogenic. Last evaluated: 2025-08-18. Review status: criteria provided, single submitter. Criteria: GeneDx Variant Classification Process June 2021. Collection method: clinical testing. Allele origin: germline.
Comment: Canonical splice site variant predicted to result in an in-frame loss of the adjacent exon in a gene for which loss of function is a known mechanism of disease; Not observed at significant frequency in large population cohorts (gnomAD); This variant is associated with the following publications: (PMID: 29736967, 29339534)

3billion
Classification: Pathogenic for Telangiectasia, hereditary hemorrhagic, type 1. Last evaluated: 2024-08-12. Review status: criteria provided, single submitter. Criteria: ACMG Guidelines, 2015. Collection method: clinical testing. Allele origin: germline. Affected: yes.
Comment: The variant is not observed in the gnomAD v4.0.0 dataset. Predicted Consequence/Location: Canonical splice site: predicted to alter splicing and result in a loss or disruption of normal protein function. Multiple pathogenic loss-of-function variants are reported downstream of the variant. The variant has been reported to be associated with ENG related disorder (ClinVar ID: VCV002152061 /PMID: 29736967). Therefore, this variant is classified as Pathogenic according to the recommendation of ACMG/AMP guideline.

Labcorp Genetics (formerly Invitae), Labcorp
Classification: Pathogenic for Hereditary hemorrhagic telangiectasia. Last evaluated: 2022-09-07. Review status: criteria provided, single submitter. Criteria: Invitae Variant Classification Sherloc (09022015). Collection method: clinical testing. Allele origin: germline.
Comment: This sequence change affects a donor splice site in intron 10 of the ENG gene. It is expected to disrupt RNA splicing. Variants that disrupt the donor or acceptor splice site typically lead to a loss of protein function (PMID: 16199547), and loss-of-function variants in ENG are known to be pathogenic (PMID: 15879500). This variant is not present in population databases (gnomAD no frequency). Disruption of this splice site has been observed in individual(s) with hereditary hemorrhagic telangiectasia (PMID: 16752392, 21158752, 29339534). Algorithms developed to predict the effect of sequence changes on RNA splicing suggest that this variant may disrupt the consensus splice site. For these reasons, this variant has been classified as Pathogenic.

Dr. Peter K. Rogan Lab, Western University
No classification provided (evidence only). Condition: Nonpapillary renal cell carcinoma. Review status: no classification provided. Collection method: in vitro. Allele origin: not applicable. Functional consequence: retained intron. Not counted in ClinVar's aggregate classification.

Dr. Peter K. Rogan Lab, Western University
No classification provided (evidence only). Condition: Nonpapillary renal cell carcinoma. Review status: no classification provided. Collection method: in vitro. Allele origin: not applicable. Functional consequence: skipped exon. Not counted in ClinVar's aggregate classification.

Dr. Peter K. Rogan Lab, Western University
No classification provided (evidence only). Condition: Nonpapillary renal cell carcinoma. Review status: no classification provided. Collection method: in vitro. Allele origin: not applicable. Functional consequence: retained intron. Not counted in ClinVar's aggregate classification.

Dr. Peter K. Rogan Lab, Western University
No classification provided (evidence only). Condition: Nonpapillary renal cell carcinoma. Review status: no classification provided. Collection method: in vitro. Allele origin: not applicable. Functional consequence: skipped exon. Not counted in ClinVar's aggregate classification.

Dr. Peter K. Rogan Lab, Western University
No classification provided (evidence only). Condition: Nonpapillary renal cell carcinoma. Review status: no classification provided. Collection method: in vitro. Allele origin: not applicable. Functional consequence: retained intron. Not counted in ClinVar's aggregate classification.

Dr. Peter K. Rogan Lab, Western University
No classification provided (evidence only). Condition: Nonpapillary renal cell carcinoma. Review status: no classification provided. Collection method: in vitro. Allele origin: not applicable. Functional consequence: skipped exon. Not counted in ClinVar's aggregate classification.

Dr. Peter K. Rogan Lab, Western University
No classification provided (evidence only). Condition: Ovarian serous cystadenocarcinoma. Review status: no classification provided. Collection method: in vitro. Allele origin: not applicable. Functional consequence: retained intron. Not counted in ClinVar's aggregate classification.

Dr. Peter K. Rogan Lab, Western University
No classification provided (evidence only). Condition: Ovarian serous cystadenocarcinoma. Review status: no classification provided. Collection method: in vitro. Allele origin: not applicable. Functional consequence: retained intron. Not counted in ClinVar's aggregate classification.

Dr. Peter K. Rogan Lab, Western University
No classification provided (evidence only). Condition: Ovarian serous cystadenocarcinoma. Review status: no classification provided. Collection method: in vitro. Allele origin: not applicable. Functional consequence: retained intron. Not counted in ClinVar's aggregate classification.

Literature cited by the submitters: PubMed 29736967 (cited by 3billion); PubMed 16199547 (cited by Labcorp Genetics (formerly Invitae), Labcorp); PubMed 15879500 (cited by Labcorp Genetics (formerly Invitae), Labcorp); PubMed 16752392 (cited by Labcorp Genetics (formerly Invitae), Labcorp); PubMed 21158752 (cited by Labcorp Genetics (formerly Invitae), Labcorp); PubMed 29339534 (cited by Labcorp Genetics (formerly Invitae), Labcorp).

NM_001114753.3(ENG):c.1311+1G>A

Genes: ENG (endoglin; minus strand), LOC102723566 (uncharacterized LOC102723566; plus strand). Cytogenetic location: 9q34.11.
Variant type: single nucleotide variant.
Coding change: c.1311+1G>A on transcript NM_001114753.3 (MANE Select); the canonical splice donor site of the intron after coding-DNA position 1311, G replaced by A.
Molecular consequence: splice donor variant.
Genome position (GRCh38, 1-based): chr9:127,819,621, C>T on the plus strand (G>A on the coding strand, the complement: ENG is on the minus strand). VCF-style: chr9-127819621-C-T. GRCh37 (hg19) VCF-style: chr9-130581900-C-T.
Other names: c.1311+1G>A (NM_000118.4); c.765+1G>A (NM_001278138.2).
Identifiers: ClinVar variation 2152061 (VCV002152061.8), dbSNP rs112972846, ClinGen allele CA200305377.
Genomic context (GRCh38, chr9:127,819,621, plus strand): 5'-AGGCCCCGGCCCAGCAGCAGCCCCTGGGCCAGGTGGGTTAGCACGTGACTGTCCATCTCA[C>T]CCGCTGTGGTGATGAGCTCGACAGGATATTGACCACCGCCTGCGGGGATAAAGCCAGGGA-3'